The following is an entry in ClinVar:

NM_005445.4(SMC3):c.1489C>A (p.Leu497Ile)

Gene: SMC3 (structural maintenance of chromosomes 3; plus strand). Cytogenetic location: 10q25.2.
Variant type: single nucleotide variant.
Coding change: c.1489C>A on transcript NM_005445.4 (MANE Select); coding-DNA position 1489, C replaced by A.
Protein change: p.Leu497Ile; replaces leucine 497 with isoleucine.
Molecular consequence: missense variant.
Genome position (GRCh38, 1-based): chr10:110,589,971, C>A. VCF-style: chr10-110589971-C-A. GRCh37 (hg19) VCF-style: chr10-112349729-C-A.
Other names: short protein forms L497I.
Identifiers: ClinVar variation 2633653 (VCV002633653.1), dbSNP rs1564792195, ClinGen allele CA378388167.

ClinVar aggregate classification (germline): Uncertain significance (1 of 4 stars; one submission).

Conditions:
SMC3-related disorder. Also called: SMC3-related condition.

Submission:

PreventionGenetics, part of Exact Sciences
Classification: Uncertain significance for SMC3-related condition. Last evaluated: 2023-03-28. Review status: criteria provided, single submitter. Criteria: ACMG Guidelines, 2015. Collection method: clinical testing. Allele origin: germline.
Comment: The SMC3 c.1489C>A variant is predicted to result in the amino acid substitution p.Leu497Ile. To our knowledge, this variant has not been reported in the literature or in a large population database, indicating this variant is rare. At this time, the clinical significance of this variant is uncertain due to the absence of conclusive functional and genetic evidence.